The following is an entry in ClinVar:

NM_172107.4(KCNQ2):c.691G>C (p.Glu231Gln)

Gene: KCNQ2 (potassium voltage-gated channel subfamily Q member 2; minus strand). Cytogenetic location: 20q13.33.
Variant type: single nucleotide variant.
Coding change: c.691G>C on transcript NM_172107.4 (MANE Select); coding-DNA position 691, G replaced by C.
Protein change: p.Glu231Gln; replaces glutamic acid 231 with glutamine.
Molecular consequence: missense variant.
Genome position (GRCh38, 1-based): chr20:63,442,531, C>G on the plus strand (G>C on the coding strand, the complement: KCNQ2 is on the minus strand). VCF-style: chr20-63442531-C-G. GRCh37 (hg19) VCF-style: chr20-62073884-C-G.
Other names: c.691G>C, p.Glu231Gln (NM_004518.6, NM_172106.3, NM_172108.5 and 1 more transcripts); short protein forms E231Q.
Identifiers: ClinVar variation 419718 (VCV000419718.2), dbSNP rs1064794063, ClinGen allele CA16620974.
Genomic context (GRCh38, chr20:63,442,531, plus strand): 5'-ACACCAGGAACGAGGCCAGGATGAGACAAAGGAAGCCGATGTACCAGGCAGTGACCAGCT[C>G]CTGAGAGGCAGACGGCACCACCATCATGACCACCATCACCAGAAGCATCACCATCACCAC-3'
Protein context (NP_742105.1, residues 221-241): LGSVVYAHSK[Glu231Gln]LVTAWYIGFL

ClinVar aggregate classification (germline): Pathogenic (1 of 4 stars; one submission).

Submission:

GeneDx
Classification: Pathogenic. Last evaluated: 2015-08-18. Review status: criteria provided, single submitter. Criteria: GeneDx Variant Classification (06012015). Collection method: clinical testing. Allele origin: germline. Affected: yes.
Comment: The E231Q variant in the KCNQ2 gene has not been reported previously as a pathogenic variantnor as a benign polymorphism, to our knowledge. The E231Q substitution was not observed in approximately 6,500 individuals of European and African American ancestry in the NHLBI Exome Sequencing Project, indicating it is not a common benign variant in these populations. The E231Q variant is a semi-conservative amino acid substitution, which may impact secondary protein structure as these residues differ in some properties. This substitution occurs at a position that is conserved across species. In silico analysis predicts this variant is probably damaging to the protein structure/function. Missense variants in nearby residues (H228Q, G239R) have been reported in the Human Gene Mutation Database in association with benign neonatal epilepsy and early-onset epileptic encephalopathy, respectively (Stenson et al., 2014), supporting the functional importance of this region of the protein. As an alternate mechanism, multiple in silico algorithms predict this variant (c.691 G>C) might destroy the natural splice acceptor site in intron 4 and create a cryptic splicing acceptor site in exon 5, which is expected to cause abnormal splicing. However, in the absence of RNA/functional studies, the actual effect of c.691 G>C in this individual is unknown. We interpret E231Q as a pathogenic variant.